The following is an entry in ClinVar:

ClinVar aggregate classification (germline): Likely benign (1 of 4 stars; one submission).

Allele frequency attached by ClinVar (database versions not stated): 1000 Genomes Project 0.00220; TOPMed 0.00224; gnomAD exomes 0.00263; 1000 Genomes Project 30x 0.00265; ExAC 0.00288; gnomAD 0.00368.
gnomAD v4.1: 1,668 of 569,744 alleles (0.29%); highest among the groups gnomAD compares: Middle Eastern, 1%; 11 homozygotes.

Submission:

CeGaT Center for Human Genetics Tuebingen
Classification: Likely benign. Last evaluated: 2026-02-01. Review status: criteria provided, single submitter. Criteria: CeGaT Center For Human Genetics Tuebingen Variant Classification Criteria Version 2. Collection method: clinical testing. Allele origin: germline. Affected: yes. Observed: 2 variant alleles.
Comment: PCDHA2: BS2; PCDHA3: BS2; PCDHA5: BS2; PCDHA6: BS2; PCDHA7: BS2; PCDHA8: BS2; PCDHA9: BS2

NM_018908.3(PCDHA5):c.2352+38947A>G

Genes: PCDHA1 (protocadherin alpha 1; plus strand), PCDHA10 (protocadherin alpha 10; plus strand), PCDHA2 (protocadherin alpha 2; plus strand), PCDHA3 (protocadherin alpha 3; plus strand), PCDHA4 (protocadherin alpha 4; plus strand) and 6 more. Cytogenetic location: 5q31.3.
Variant type: single nucleotide variant.
Coding change: c.2352+38947A>G on transcript NM_018908.3 (MANE Select); 38947 bases into the intron after coding-DNA position 2352, A replaced by G.
Molecular consequence: intron variant. On other transcripts: 3 prime UTR variant (1).
Genome position (GRCh38, 1-based): chr5:140,863,074, A>G. VCF-style: chr5-140863074-A-G. GRCh37 (hg19) VCF-style: chr5-140242659-A-G.
Other names: c.*4491A>G (NM_031859.3); c.2394+74390A>G (NM_018900.4); c.1602+75182A>G (NM_031411.3); c.2388+65722A>G (NM_018905.3); c.2394+59483A>G (NM_018906.3); c.2385+53502A>G (NM_018907.4); c.2394+32589A>G (NM_018909.4); c.1602+33381A>G (NM_031849.3); and 5 more.
Identifiers: ClinVar variation 2655786 (VCV002655786.24), dbSNP rs142752367, ClinGen allele CA3451562.